The following is an entry in ClinVar:

NM_001368067.1(LDB3):c.766G>A (p.Glu256Lys)

Gene: LDB3 (LIM domain binding 3; plus strand). Cytogenetic location: 10q23.2.
Variant type: single nucleotide variant.
Coding change: c.766G>A on transcript NM_001368067.1 (MANE Plus Clinical); coding-DNA position 766, G replaced by A.
Protein change: p.Glu256Lys; replaces glutamic acid 256 with lysine.
Molecular consequence: missense variant. On other transcripts: intron variant (6).
Genome position (GRCh38, 1-based): chr10:86,699,288, G>A. VCF-style: chr10-86699288-G-A. GRCh37 (hg19) VCF-style: chr10-88459045-G-A.
Other names: c.907G>A, p.Glu303Lys (NM_001080115.2, NM_001368063.1); c.1111G>A, p.Glu371Lys (NM_001171611.2); c.766G>A, p.Glu256Lys (NM_001368068.1, NM_001080116.1); c.896+6717G>A (NM_001368064.1, NM_007078.3, NM_001368065.1); c.1100+6717G>A (NM_001171610.2); c.755+6717G>A (NM_001368066.1, NM_001080114.2); short protein forms E371K, E256K, E303K.
Identifiers: ClinVar variation 940001 (VCV000940001.10), dbSNP rs774307690, ClinGen allele CA5584970.

ClinVar aggregate classification (germline): Uncertain significance (1 of 4 stars; one submission).

Conditions:
Myofibrillar myopathy 4. Also called: Zaspopathy (type). Identifiers: Orphanet 98912, MedGen C4721886, MONDO:0012277, OMIM 609452.

Allele frequency attached by ClinVar (database versions not stated): gnomAD exomes below 0.00001 and 0.00001; ExAC 0.00001; gnomAD 0.00001.
gnomAD v4.1: 4 of 1,612,962 alleles (0.00025%); highest among the groups gnomAD compares: Non-Finnish European, 0.00034%; no homozygotes.

Submission:

Labcorp Genetics (formerly Invitae), Labcorp
Classification: Uncertain significance for Myofibrillar myopathy 4. Last evaluated: 2022-08-15. Review status: criteria provided, single submitter. Criteria: Invitae Variant Classification Sherloc (09022015). Collection method: clinical testing. Allele origin: germline.
Comment: This variant has not been reported in the literature in individuals affected with LDB3-related conditions. In summary, the available evidence is currently insufficient to determine the role of this variant in disease. Therefore, it has been classified as a Variant of Uncertain Significance. Algorithms developed to predict the effect of missense changes on protein structure and function are either unavailable or do not agree on the potential impact of this missense change (SIFT: "Tolerated"; PolyPhen-2: "Possibly Damaging"; Align-GVGD: "Class C0"). ClinVar contains an entry for this variant (Variation ID: 940001). This variant is present in population databases (rs774307690, gnomAD 0.0009%). This sequence change replaces glutamic acid, which is acidic and polar, with lysine, which is basic and polar, at codon 256 of the LDB3 protein (p.Glu256Lys).